The following is an entry in ClinVar:

ClinVar aggregate classification (germline): Conflicting classifications of pathogenicity. Review status: criteria provided, conflicting classifications (1 of 4 stars). 29 submissions from 28 submitters: Pathogenic (7); Likely pathogenic (3); Uncertain significance (5); Benign (2); Likely benign (5). 7 of the submissions do not count toward it. Last evaluated 2026-06-18.

Conditions:
HGSNAT-related disorders.
HGSNAT-related disorder. Also called: HGSNAT-related condition.
Inborn genetic diseases. Identifiers: MedGen C0950123, MeSH D030342.
Mucopolysaccharidosis, MPS-III-C (MPS3C). Also called: Mucopolysaccharidosis type IIIC (Sanfilippo C); MPS III C; MUCOPOLYSACCHARIDOSIS, TYPE IIIC; mucopolysaccharidosis type 3C; MPS IIIC (Sanfilippo Syndrome Type C); SANFILIPPO SYNDROME C. Identifiers: Orphanet 581, Orphanet 79271, MedGen C0086649, MONDO:0009657, OMIM 252930.
Retinitis pigmentosa 73 (RP73). Identifiers: Orphanet 791, MedGen C4225287, MONDO:0014687, OMIM 616544.
Retinal dystrophy. Also called: Inherited retinal dystrophy. Identifiers: Orphanet 71862, MedGen C0854723, MeSH D058499, MONDO:0019118, HP:0000556.
Retinitis pigmentosa (RP). Identifiers: Orphanet 791, MedGen C0035334, MeSH D012174, MONDO:0019200, OMIM 268000. Inheritance: Autosomal dominant, autosomal recessive and X linked inheritance.
Retinal disorder. Also called: Retinopathy; Retinopathies; Retinal Diseases; Retinal disorders. Identifiers: MedGen C0035309, MONDO:0005283, HP:0000488.

Allele frequency attached by ClinVar (database versions not stated): 1000 Genomes Project 30x 0.00141; gnomAD 0.00346 and 0.00361; 1000 Genomes Project 0.00160; ESP Exome Variant Server 0.00431; ExAC 0.00440; gnomAD exomes 0.00516 and 0.00406; TOPMed 0.00329.
gnomAD v4.1: 7,998 of 1,610,166 alleles (0.5%); highest among the groups gnomAD compares: Non-Finnish European, 0.56%; 23 homozygotes.

Submissions 1 to 4 of 29:

PreventionGenetics, part of Exact Sciences
Classification: Likely pathogenic for HGSNAT-related condition. Last evaluated: 2026-06-18. Review status: criteria provided, single submitter. Criteria: ACMG Guidelines, 2015. Collection method: clinical testing. Allele origin: germline.
Comment: The HGSNAT c.1843G>A variant is predicted to result in the amino acid substitution p.Ala615Thr. This variant has been reported in the homozygous and compound heterozygous states in individuals with non-syndromic retinitis pigmentosa (Schiff et al 2020. PubMed ID: 32770643; Table S2, Sharon et al. 2019. PubMed ID: 31456290; Table S4, Colombo et. al. 2021. PubMed ID: 33576794; Patel et al. 2021. PubMed ID: 34326763; Carrera et al. 2021. PubMed ID: 34580245; Table S2, Carss et al. 2017. PubMed ID: 28041643; Thorsteinsson et al. 2021. PubMed ID: 33851411; Internal Data, PreventionGenetics). This variant was also observed in cis with a second HGSNAT variant (p.Trp403Cys) in the homozygous state in patients with mucopolysaccharidosis IIIC (MPSIIIC) (Hrebicek et al. 2006. PubMed ID: 17033958, reported as p.[W431C;A643T]; Feldhammer et al. 2009. PubMed ID: 19823584). Functional studies have been inconclusive. The p.Ala615Thr variant alone resulted in a mild decrease in enzymatic function (Feldhammer et al. 2009. PubMed ID: 19823584; Fedele et al. 2010. PubMed ID: 20583299). However, one study showed that the haplotype with p.Ala615Thr and p.Trp403Cys on the same allele were additive, abolishing HGSNAT activity (Fedele et al. 2010. PubMed ID: 20583299). Patients with retinitis pigmentosa have reduced HGSNAT enzyme activity levels in blood leukocytes compared with healthy controls but higher than those in MPS IIIC patients (Haer-Wigman et al. 2015. PubMed ID: 25859010; Schiff et al 2020. PubMed ID: 32770643). Incomplete penetrance for retinitis pigmentosa has been reported for this variant when in the homozygous state (Schiff et al 2020. PubMed ID: 32770643). This variant is reported in 1.5% of alleles in individuals of Ashkenazi Jewish descent in gnomAD, including several homozygotes in multiple population groups. In summary, we conclude that this is likely a hypomorphic variant (partial loss-of-function) and is interpreted as likely pathogenic for non-syndromic retinitis pigmentosa. The clinical significance of this variant is currently uncertain for mucopolysaccharidosis type IIIC.

Women's Health and Genetics/Laboratory Corporation of America, LabCorp
Classification: Pathogenic for Retinitis pigmentosa 73. Last evaluated: 2026-06-17. Review status: criteria provided, single submitter. Criteria: LabCorp Variant Classification Summary - May 2015. Collection method: clinical testing. Allele origin: germline.
Comment: Variant summary: HGSNAT c.1843G>A (p.Ala615Thr) results in a non-conservative amino acid change in the encoded protein sequence. Algorithms developed to predict the effect of missense changes on protein structure and function are either unavailable or do not agree on the potential impact of this missense change. The variant allele was found at a frequency of 0.0041 in 246284 control chromosomes, predominantly at a frequency of 0.0054 within the Non-Finnish European subpopulation in the gnomAD database and 0.015 within the Ashkenazi-Jewish subpopulation in the gnomAD database, including 4 homozygotes. The observed variant frequency within Non-Finnish European control individuals in the gnomAD database exceeds the estimated maximal expected allele frequency for disease-causing variants in HGSNAT. This allele frequency exceeds the estimated maximal expected allele frequency for a pathogenic variant in HGSNAT causing Retinitis pigmentosa 73 phenotype and Mucopolysaccharidosis, MPS-III-C. However, the possibility of non-syndromic Retinitis Pigmentosa in the gnomAD cohorts cannot be entirely excluded. In settings of non-syndromic Retinitis Pigmentosa, it has also been observed as a complex allele, p.[G133A;A615T] in three individuals of one Dutch family who were heterozygous for the c.398G>C (p.G133A) and homozygous for the c.1843G>A (p.A615T) (Haer-Wigman_2015). These data indicate that the variant may be associated with non-syndromic Retinitis Pigmentosa although its association with Mucopolysaccharidosis, MPS-III-C is uncertain. At least two publications report experimental evidence evaluating an impact on protein function. The most pronounced variant effect results in >50%-90% of normal HGSNAT enzyme activity (Feldhammer_2009, Fedele_2010) consistent with a hypomorphic allele having a disease-causing effect when combined with other HGSNAT variants. The following publications have been ascertained in the context of this evaluation (PMID: 33576794, 28981474, 34795310, 20583299, 19479962, 19823584, 25859010, 17033958, 31228227, 32770643, 27608171). ClinVar contains an entry for this variant (Variation ID: 208816). Based on the evidence outlined above, the variant was classified as pathogenic.

Victorian Clinical Genetics Services, Murdoch Childrens Research Institute
Classification: Pathogenic for Retinitis pigmentosa 73. Last evaluated: 2026-06-16. Review status: criteria provided, single submitter. Criteria: ACMG Guidelines, 2015. Collection method: clinical testing. Allele origin: germline.
Comment: This variant is classified as Pathogenic. Evidence in support of pathogenic classification: Variant is present in gnomAD <0.01 for a recessive condition (v4: 7952 heterozygote(s), 23 homozygote(s)); This variant has strong previous evidence of pathogenicity in unrelated individuals. This variant has conflicting classifications by clinical laboratories in ClinVar. This variant is referred to as hypomorphic in the literature and has been reported numerous times in both homozygous and compound heterozygous states in individuals with late-onset non-syndromic retinitis pigmentosa; at least one homozygous individual from an affected family was asymptomatic at the time of assessment (PMIDs: 32770643, 37592806, 34795310). Additional information: Variant is predicted to result in a missense amino acid change from Ala to Thr; This variant is heterozygous; This gene is associated with autosomal recessive disease; Variant is not located in an established domain, motif, hotspot or informative constraint region; Missense variant with inconclusive in silico prediction and/or uninformative conservation; Loss of function is a known mechanism of disease in this gene and is associated with mucopolysaccharidosis type IIIC (Sanfilippo C; MIM#252930) and retinitis pigmentosa 73 (MIM#616544); Inheritance information for this variant is not currently available in this individual.

Ambry Genetics
Classification: Pathogenic for Inborn genetic diseases. Last evaluated: 2026-05-05. Review status: criteria provided, single submitter. Criteria: Ambry Variant Classification Scheme 2023. Collection method: clinical testing. Allele origin: germline.
Comment: The c.1843G>A (p.A615T) alteration is located in exon 18 (coding exon 18) of the HGSNAT gene. This alteration results from a G to A substitution at nucleotide position 1843, causing the alanine (A) at amino acid position 615 to be replaced by a threonine (T). Based on data from gnomAD, the A allele has an overall frequency of 0.403% (1119/277692) total alleles studied, including 4 homozygotes. The highest observed frequency was 1.453% (148/10188) of Ashkenazi Jewish alleles. The number of alleles observed exceeds the maximum credible number expected for a disease-causing variant in this gene based on internally established thresholds (Karczewski, 2020; Whiffin, 2017). In addition, this variant has been identified in apparently unaffected homozygous individuals in our laboratory (Ambry internal data). This variant has been identified in the homozygous state and in conjunction with other HGSNAT variants in individuals with features consistent with mild, late-onset HGSNAT-related retinitis pigmentosa; in at least one instance, the variants were identified in trans (Abu Elasal, 2024; Hayman, 2024; da Palma, 2024; Van Cauwenbergh, 2017; Schiff, 2020). This amino acid position is highly conserved in available vertebrate species. Functional studies suggest a partial loss of function; however, additional evidence is needed to confirm these findings (Feldhammer, 2009; Fedele, 2010). The in silico prediction for this alteration is inconclusive. Based on the available evidence, this alteration is classified as pathogenic.

NM_152419.3(HGSNAT):c.1843G>A (p.Ala615Thr)

Gene: HGSNAT (heparan-alpha-glucosaminide N-acetyltransferase; plus strand). Cytogenetic location: 8p11.21.
Variant type: single nucleotide variant.
Coding change: c.1843G>A on transcript NM_152419.3 (MANE Select); coding-DNA position 1843, G replaced by A.
Protein change: p.Ala615Thr; replaces alanine 615 with threonine.
Molecular consequence: missense variant.
Genome position (GRCh38, 1-based): chr8:43,199,504, G>A. VCF-style: chr8-43199504-G-A. GRCh37 (hg19) VCF-style: chr8-43054647-G-A.
Other names: p.Ala615Thr; c.1930G>A, p.Ala644Thr (NM_001363227.2); c.1651G>A, p.Ala551Thr (NM_001363228.2); c.979G>A, p.Ala327Thr (NM_001363229.2); short protein forms A615T, A644T, A327T, A551T.
Identifiers: ClinVar variation 208816 (VCV000208816.107), dbSNP rs112029032, ClinGen allele CA204929.